The following is an entry in ClinVar:

ClinVar aggregate classification (germline): Benign/Likely benign. Review status: criteria provided, multiple submitters, no conflicts (2 of 4 stars). 16 submissions from 16 submitters: Benign (10); Likely benign (3). 3 of the submissions do not count toward it. Last evaluated 2026-02-04.

Conditions:
Aortic aneurysm, familial thoracic 7 (AAT7). Also called: AORTIC DISSECTION, FAMILIAL, WITH OR WITHOUT AORTIC ANEURYSM. Identifiers: MedGen C3151077, MONDO:0013418, OMIM 613780.
Aortic aneurysm, familial thoracic 6 (AAT6). Also called: FAMILIAL THORACIC AORTIC ANEURYSM WITH LIVEDO RETICULARIS AND IRIS FLOCCULI. Identifiers: MedGen C2673186, MONDO:0012730, OMIM 611788.
Familial thoracic aortic aneurysm and aortic dissection (TAAD). Also called: Thoracic aortic aneurysms and dissections. Identifiers: Orphanet 91387, MedGen C4707243, MONDO:0019625.

Allele frequency attached by ClinVar (database versions not stated): ESP Exome Variant Server 0.00631; gnomAD exomes 0.01157 and 0.02701; TOPMed 0.01165; gnomAD 0.01370 and 0.01645; ExAC 0.02735; 1000 Genomes Project 30x 0.04294; 1000 Genomes Project 0.04513.
gnomAD v4.1: 19,602 of 1,611,056 alleles (1.2%); highest among the groups gnomAD compares: South Asian, 8.7%; 648 homozygotes.

Submissions (16):

Labcorp Genetics (formerly Invitae), Labcorp
Classification: Benign for Aortic aneurysm, familial thoracic 7. Last evaluated: 2026-02-04. Review status: criteria provided, single submitter. Criteria: Invitae Variant Classification Sherloc (09022015). Collection method: clinical testing. Allele origin: germline.

ARUP Laboratories, Molecular Genetics and Genomics, ARUP Laboratories
Classification: Benign. Last evaluated: 2025-06-05. Review status: criteria provided, single submitter. Criteria: ARUP Molecular Germline Variant Investigation Process 2024. Collection method: clinical testing. Allele origin: germline.

Molecular Diagnostic Laboratory for Inherited Cardiovascular Disease, Montreal Heart Institute
Classification: Likely benign. Last evaluated: 2025-04-09. Review status: criteria provided, single submitter. Criteria: ACMG Guidelines, 2015. Collection method: clinical testing. Allele origin: germline. Affected: no.

Women's Health and Genetics/Laboratory Corporation of America, LabCorp
Classification: Benign. Last evaluated: 2020-02-17. Review status: criteria provided, single submitter. Criteria: LabCorp Variant Classification Summary - May 2015. Collection method: clinical testing. Allele origin: germline.
Comment: Variant summary: MYLK c.2533C>T (p.Arg845Cys) results in a non-conservative amino acid change in the encoded protein sequence. Four of five in-silico tools predict a benign effect of the variant on protein function. The variant allele was found at a frequency of 0.027 in 246212 control chromosomes in the gnomAD database, including 240 homozygotes. The observed variant frequency is approximately 1080-fold of the estimated maximal expected allele frequency for a pathogenic variant in MYLK causing Aortopathy phenotype (2.5e-05), strongly suggesting that the variant is benign. To our knowledge, no occurrence of c.2533C>T in individuals affected with Aortopathy and no experimental evidence demonstrating its impact on protein function have been reported. Seven ClinVar submitters (evaluation after 2014) cite the variant as benign/likely benign. Based on the evidence outlined above, the variant was classified as benign.

Illumina Laboratory Services, Illumina
Classification: Benign for Aortic aneurysm, familial thoracic 7. Last evaluated: 2018-01-12. Review status: criteria provided, single submitter. Criteria: ICSL Variant Classification Criteria 13 December 2019. Collection method: clinical testing. Allele origin: germline.
Comment: This variant was observed in the ICSL laboratory as part of a predisposition screen in an ostensibly healthy population. It had not been previously curated by ICSL or reported in the Human Gene Mutation Database (HGMD: prior to June 1st, 2018), and was therefore a candidate for classification through an automated scoring system. Utilizing variant allele frequency, disease prevalence and penetrance estimates, and inheritance mode, an automated score was calculated to assess if this variant is too frequent to cause the disease. Based on the score and internal cut-off values, a variant classified as benign is not then subjected to further curation. The score for this variant resulted in a classification of benign for this disease.

GeneDx
Classification: Benign. Last evaluated: 2016-12-06. Review status: criteria provided, single submitter. Criteria: GeneDx Variant Classification (06012015). Collection method: clinical testing. Allele origin: germline. Affected: yes.
Comment: This variant is considered likely benign or benign based on one or more of the following criteria: it is a conservative change, it occurs at a poorly conserved position in the protein, it is predicted to be benign by multiple in silico algorithms, and/or has population frequency not consistent with disease.

CHEO Genetics Diagnostic Laboratory, Children's Hospital of Eastern Ontario
Classification: Benign for Familial thoracic aortic aneurysm and aortic dissection. Last evaluated: 2016-02-01. Review status: criteria provided, single submitter. Criteria: ACMG Guidelines, 2015. Collection method: clinical testing. Allele origin: germline. Study: Canadian Open Genetics Repository.

Mayo Clinic Laboratories, Mayo Clinic
Classification: Benign. Last evaluated: 2015-03-18. Review status: criteria provided, single submitter. Criteria: ACMG Guidelines, 2015. Collection method: clinical testing. Allele origin: germline. Observed: 18 variant alleles.

CSER _CC_NCGL, University of Washington
Classification: Likely benign for Familial thoracic aortic aneurysm. Last evaluated: 2015-03-11. Review status: criteria provided, single submitter. Criteria: Amendola et al. (Genome Res. 2015). Collection method: research. Allele origin: germline. Inheritance: Autosomal dominant inheritance. Study: CSER - NEXT Medicine variant annotation.

Ambry Genetics
Classification: Benign for Familial thoracic aortic aneurysm and aortic dissection. Last evaluated: 2015-01-23. Review status: criteria provided, single submitter. Criteria: Ambry Variant Classification Scheme 2023. Collection method: clinical testing. Allele origin: germline.

Laboratory for Molecular Medicine, Mass General Brigham Personalized Medicine
Classification: Benign. Last evaluated: 2013-04-04. Review status: criteria provided, single submitter. Criteria: LMM Criteria. Collection method: clinical testing. Allele origin: germline. Observed: 2 variant alleles.
Comment: Arg845Cys in exon 18 of MYLK: This variant is not expected to have clinical sign ificance because it has been identified in 1.4% (61/4402) of African American ch romosomes from a broad population by the NHLBI Exome Sequencing Project (dbSNP rs3732485).

Breakthrough Genomics
Classification: Likely benign. Review status: criteria provided, single submitter. Criteria: ACMG Guidelines, 2015. Collection method: not provided. Allele origin: germline. Inheritance: Autosomal recessive inheritance. Affected: yes.

PreventionGenetics, part of Exact Sciences
Classification: Benign. Review status: criteria provided, single submitter. Criteria: ACMG Guidelines, 2015. Collection method: clinical testing. Allele origin: germline.

Clinical Genetics DNA and cytogenetics Diagnostics Lab, Erasmus MC, Erasmus Medical Center
Classification: Benign. Review status: no assertion criteria provided. Collection method: clinical testing. Allele origin: germline. Affected: yes. Study: VKGL Data-share Consensus. Not counted in ClinVar's aggregate classification.

Genome Diagnostics Laboratory, Amsterdam University Medical Center
Classification: Benign. Review status: no assertion criteria provided. Collection method: clinical testing. Allele origin: germline. Affected: yes. Study: VKGL Data-share Consensus. Not counted in ClinVar's aggregate classification.

Genome Diagnostics Laboratory, University Medical Center Utrecht
Classification: Benign. Review status: no assertion criteria provided. Collection method: clinical testing. Allele origin: germline. Affected: yes. Study: VKGL Data-share Consensus. Not counted in ClinVar's aggregate classification.

NM_053025.4(MYLK):c.2533C>T (p.Arg845Cys)

Gene: MYLK (myosin light chain kinase; minus strand). Cytogenetic location: 3q21.1.
Variant type: single nucleotide variant.
Coding change: c.2533C>T on transcript NM_053025.4 (MANE Select); coding-DNA position 2533, C replaced by T.
Protein change: p.Arg845Cys; replaces arginine 845 with cysteine.
Molecular consequence: missense variant.
Genome position (GRCh38, 1-based): chr3:123,700,935, G>A on the plus strand (C>T on the coding strand, the complement: MYLK is on the minus strand). VCF-style: chr3-123700935-G-A. GRCh37 (hg19) VCF-style: chr3-123419782-G-A.
Other names: c.2005C>T, p.Arg669Cys (NM_001321309.2); c.2326C>T, p.Arg776Cys (NM_053026.4, NM_053028.4); c.2533C>T, p.Arg845Cys (NM_053027.4); short protein forms R776C, R845C, R669C.
Identifiers: ClinVar variation 226038 (VCV000226038.42), dbSNP rs3732485, ClinGen allele CA068704.